The following is an entry in ClinVar:

NM_153676.4(USH1C):c.502G>A (p.Gly168Ser)

Gene: USH1C (USH1 protein network component harmonin; minus strand). Cytogenetic location: 11p15.1.
Variant type: single nucleotide variant.
Coding change: c.502G>A on transcript NM_153676.4 (MANE Select); coding-DNA position 502, G replaced by A.
Protein change: p.Gly168Ser; replaces glycine 168 with serine.
Molecular consequence: missense variant. On other transcripts: non-coding transcript variant (1).
Genome position (GRCh38, 1-based): chr11:17,527,035, C>T on the plus strand (G>A on the coding strand, the complement: USH1C is on the minus strand). VCF-style: chr11-17527035-C-T. GRCh37 (hg19) VCF-style: chr11-17548582-C-T.
Other names: c.502G>A (NM_005709.3); c.502G>A, p.Gly168Ser (NM_001297764.2, NM_005709.4); short protein forms G168S.
Identifiers: ClinVar variation 1003465 (VCV001003465.6), dbSNP rs1032568806, ClinGen allele CA218461363.

ClinVar aggregate classification (germline): Uncertain significance. Review status: criteria provided, multiple submitters, no conflicts (2 of 4 stars). 4 submissions from 4 submitters: Uncertain significance (3). 1 of the submissions does not count toward it. Last evaluated 2026-01-19.

Conditions:
Inborn genetic diseases. Identifiers: MedGen C0950123, MeSH D030342.
Usher syndrome type 1C. Also called: USHER SYNDROME, TYPE I, ACADIAN VARIETY. Identifiers: Orphanet 231169, Orphanet 886, MedGen C1848604, MONDO:0010171, OMIM 276904.

Allele frequency attached by ClinVar (database versions not stated): gnomAD 0.00003; gnomAD exomes 0.00003 and 0.00004; TOPMed 0.00005.
gnomAD v4.1: 41 of 1,556,964 alleles (0.0026%); highest among the groups gnomAD compares: Middle Eastern, 0.017%; no homozygotes.

Submissions (4):

Labcorp Genetics (formerly Invitae), Labcorp
Classification: Uncertain significance. Last evaluated: 2026-01-19. Review status: criteria provided, single submitter. Criteria: Invitae Variant Classification Sherloc (09022015). Collection method: clinical testing. Allele origin: germline.
Comment: This sequence change replaces glycine, which is neutral and non-polar, with serine, which is neutral and polar, at codon 168 of the USH1C protein (p.Gly168Ser). This variant is present in population databases (no rsID available, gnomAD 0.02%). This variant has not been reported in the literature in individuals affected with USH1C-related conditions. ClinVar contains an entry for this variant (Variation ID: 1003465). An algorithm developed to predict the effect of missense changes on protein structure and function (PolyPhen-2) suggests that this variant is likely to be tolerated. In summary, the available evidence is currently insufficient to determine the role of this variant in disease. Therefore, it has been classified as a Variant of Uncertain Significance.

Ambry Genetics
Classification: Uncertain significance for Inborn genetic diseases. Last evaluated: 2025-01-28. Review status: criteria provided, single submitter. Criteria: Ambry Variant Classification Scheme 2023. Collection method: clinical testing. Allele origin: germline.

Breakthrough Genomics
Classification: Uncertain significance. Review status: criteria provided, single submitter. Criteria: ACMG Guidelines, 2015. Collection method: not provided. Allele origin: germline. Inheritance: Autosomal recessive inheritance. Affected: yes.

Natera, Inc.
Classification: Uncertain significance for Usher syndrome type 1C. Last evaluated: 2021-03-25. Review status: no assertion criteria provided. Collection method: clinical testing. Allele origin: germline. Not counted in ClinVar's aggregate classification.